The following is an entry in ClinVar:

NM_000380.4(XPA):c.556-2A>G

Gene: XPA (XPA, DNA damage recognition and repair factor; minus strand). Cytogenetic location: 9q22.33.
Variant type: single nucleotide variant.
Coding change: c.556-2A>G on transcript NM_000380.4 (MANE Select); the canonical splice acceptor site of the intron before coding-DNA position 556, A replaced by G.
Molecular consequence: splice acceptor variant.
Genome position (GRCh38, 1-based): chr9:97,685,042, T>C on the plus strand (A>G on the coding strand, the complement: XPA is on the minus strand). VCF-style: chr9-97685042-T-C. GRCh37 (hg19) VCF-style: chr9-100447324-T-C.
Other names: c.430-2A>G (NM_001354975.2).
Identifiers: ClinVar variation 1522255 (VCV001522255.8), dbSNP rs2131393431, ClinGen allele CA374187243.

ClinVar aggregate classification (germline): Likely pathogenic (1 of 4 stars; one submission).

Submission:

Labcorp Genetics (formerly Invitae), Labcorp
Classification: Likely pathogenic. Last evaluated: 2022-03-14. Review status: criteria provided, single submitter. Criteria: Invitae Variant Classification Sherloc (09022015). Collection method: clinical testing. Allele origin: germline.
Comment: In summary, the currently available evidence indicates that the variant is pathogenic, but additional data are needed to prove that conclusively. Therefore, this variant has been classified as Likely Pathogenic. Algorithms developed to predict the effect of sequence changes on RNA splicing suggest that this variant may disrupt the consensus splice site. This variant has not been reported in the literature in individuals affected with XPA-related conditions. This variant is not present in population databases (gnomAD no frequency). This sequence change affects an acceptor splice site in intron 4 of the XPA gene. It is expected to disrupt RNA splicing. Variants that disrupt the donor or acceptor splice site typically lead to a loss of protein function (PMID: 16199547), and loss-of-function variants in XPA are known to be pathogenic (PMID: 27607234).

Literature cited by the submitters: PubMed 16199547; PubMed 27607234.